The following is an entry in ClinVar:

NM_000944.5(PPP3CA):c.136T>G (p.Leu46Val)

Gene: PPP3CA (protein phosphatase 3 catalytic subunit alpha; minus strand). Cytogenetic location: 4q24.
Variant type: single nucleotide variant.
Coding change: c.136T>G on transcript NM_000944.5 (MANE Select); coding-DNA position 136, T replaced by G.
Protein change: p.Leu46Val; replaces leucine 46 with valine.
Molecular consequence: missense variant.
Genome position (GRCh38, 1-based): chr4:101,196,039, A>C on the plus strand (T>G on the coding strand, the complement: PPP3CA is on the minus strand). VCF-style: chr4-101196039-A-C. GRCh37 (hg19) VCF-style: chr4-102117196-A-C.
Other names: c.136T>G, p.Leu46Val (NM_001130691.2, NM_001130692.2); short protein forms L46V.
Identifiers: ClinVar variation 4994813 (VCV004994813.1).
Genomic context (GRCh38, chr4:101,196,039, plus strand): 5'-TTATTATTCTCAATGCAACACTCTCTTCCAGCCTTCCCTCCTTCATAAGATGCGCCTTTA[A>C]GATATCCACACGAGGTTTTCCATCATTATCAAACACTTCTTTTGCTGTAAGCCGGTGACT-3'
Protein context (NP_000935.1, residues 36-56): DNDGKPRVDI[Leu46Val]KAHLMKEGRL

ClinVar aggregate classification (germline): Uncertain significance (1 of 4 stars; one submission).

Conditions:
PPP3CA-related disorder. Also called: PPP3CA-related disorders; PPP3CA-related condition.

Submission:

PreventionGenetics, part of Exact Sciences
Classification: Uncertain significance for PPP3CA-related condition. Last evaluated: 2026-02-10. Review status: criteria provided, single submitter. Criteria: ACMG Guidelines, 2015. Collection method: clinical testing. Allele origin: germline.
Comment: The PPP3CA c.136T>G variant is predicted to result in the amino acid substitution p.Leu46Val. To our knowledge, this variant has not been reported in the literature or in a large population database (gnomAD), indicating this variant is rare. At this time, the clinical significance of this variant is uncertain due to the absence of conclusive functional and genetic evidence.